The following is an entry in ClinVar:

NM_004360.5(CDH1):c.1621G>A (p.Ala541Thr)

Gene: CDH1 (cadherin 1; plus strand). Cytogenetic location: 16q22.1.
Variant type: single nucleotide variant.
Coding change: c.1621G>A on transcript NM_004360.5 (MANE Select); coding-DNA position 1621, G replaced by A.
Protein change: p.Ala541Thr; replaces alanine 541 with threonine.
Molecular consequence: missense variant. On other transcripts: intron variant (1).
Genome position (GRCh38, 1-based): chr16:68,819,335, G>A. VCF-style: chr16-68819335-G-A. GRCh37 (hg19) VCF-style: chr16-68853238-G-A.
Other names: c.1438G>A, p.Ala480Thr (NM_001317184.2); c.73G>A, p.Ala25Thr (NM_001317185.2); c.-254-2666G>A (NM_001317186.2); short protein forms A25T, A480T, A541T.
Identifiers: ClinVar variation 3015076 (VCV003015076.3), dbSNP rs2152136846, ClinGen allele CA396465098.

ClinVar aggregate classification (germline): Uncertain significance (1 of 4 stars; one submission).

Conditions:
Hereditary diffuse gastric adenocarcinoma (HDGC). Also called: DIFFUSE GASTRIC AND LOBULAR BREAST CANCER SYNDROME. Identifiers: Orphanet 26106, MedGen C1708349, MONDO:0007648, OMIM 137215.

Submission:

Labcorp Genetics (formerly Invitae), Labcorp
Classification: Uncertain significance for Hereditary diffuse gastric adenocarcinoma. Last evaluated: 2023-03-20. Review status: criteria provided, single submitter. Criteria: Invitae Variant Classification Sherloc (09022015). Collection method: clinical testing. Allele origin: germline.
Comment: This sequence change replaces alanine, which is neutral and non-polar, with threonine, which is neutral and polar, at codon 541 of the CDH1 protein (p.Ala541Thr). This variant is not present in population databases (gnomAD no frequency). This variant has not been reported in the literature in individuals affected with CDH1-related conditions. Algorithms developed to predict the effect of missense changes on protein structure and function output the following: SIFT: "Not Available"; PolyPhen-2: "Benign"; Align-GVGD: "Not Available". The threonine amino acid residue is found in multiple mammalian species, which suggests that this missense change does not adversely affect protein function. In summary, the available evidence is currently insufficient to determine the role of this variant in disease. Therefore, it has been classified as a Variant of Uncertain Significance.